The following is an entry in ClinVar:

ClinVar aggregate classification (germline): Pathogenic. Review status: criteria provided, multiple submitters, no conflicts (2 of 4 stars). 3 submissions from 3 submitters: Pathogenic (2). 1 of the submissions does not count toward it. Last evaluated 2023-05-04.

Conditions:
Hypogonadotropic hypogonadism 2 with or without anosmia (HH2). Also called: HYPOGONADOTROPIC HYPOGONADISM 2 WITH OR WITHOUT ANOSMIA, SUSCEPTIBILITY TO; HYPOGONADOTROPIC HYPOGONADISM 2 WITHOUT ANOSMIA, SUSCEPTIBILITY TO; HYPOGONADOTROPIC HYPOGONADISM 2 WITHOUT ANOSMIA; FGFR1-Related GnRH Deficiency (Kallmann Syndrome 2). Identifiers: Orphanet 478, MedGen C1563720, MONDO:0007844, OMIM 147950. Disease mechanism: loss of function.
Pfeiffer syndrome (ACS5). Also called: ACS V. Identifiers: Orphanet 710, MedGen C0220658, MONDO:0007043, OMIM 101600.

Submissions (3):

Reproductive Endocrine Unit, Massachusetts General Hospital
Classification: Pathogenic for Hypogonadotropic hypogonadism 2 with or without anosmia. Last evaluated: 2023-05-04. Review status: criteria provided, single submitter. Criteria: ACMG Guidelines, 2015. Collection method: research. Allele origin: inherited, unknown, de novo. Affected: yes. Observed: 5 variant alleles.

Labcorp Genetics (formerly Invitae), Labcorp
Classification: Pathogenic for Pfeiffer syndrome; Hypogonadotropic hypogonadism 2 with or without anosmia. Last evaluated: 2022-08-19. Review status: criteria provided, single submitter. Criteria: Invitae Variant Classification Sherloc (09022015). Collection method: clinical testing. Allele origin: germline.
Comment: This sequence change replaces arginine, which is basic and polar, with glutamine, which is neutral and polar, at codon 250 of the FGFR1 protein (p.Arg250Gln). This variant is not present in population databases (gnomAD no frequency). This missense change has been observed in individual(s) with clinical features of Kallmann syndrome (PMID: 18596921, 20696889, 31748124, 33442024). In at least one individual the variant was observed to be de novo. ClinVar contains an entry for this variant (Variation ID: 16303). Algorithms developed to predict the effect of missense changes on protein structure and function are either unavailable or do not agree on the potential impact of this missense change (SIFT: "Deleterious"; PolyPhen-2: "Probably Damaging"; Align-GVGD: "Class C0"). Experimental studies have shown that this missense change affects FGFR1 function (PMID: 18596921, 19820032). Algorithms developed to predict the effect of sequence changes on RNA splicing suggest that this variant may create or strengthen a splice site. For these reasons, this variant has been classified as Pathogenic.

OMIM
Classification: risk factor for HYPOGONADOTROPIC HYPOGONADISM 2 WITHOUT ANOSMIA, SUSCEPTIBILITY TO. Last evaluated: 2013-05-02. Review status: no assertion criteria provided. Collection method: literature only. Allele origin: germline. Not counted in ClinVar's aggregate classification.

Literature cited by the submitters: PubMed 18596921 (cited by Labcorp Genetics (formerly Invitae), Labcorp and OMIM); PubMed 20696889 (cited by Labcorp Genetics (formerly Invitae), Labcorp); PubMed 31748124 (cited by Labcorp Genetics (formerly Invitae), Labcorp); PubMed 33442024 (cited by Labcorp Genetics (formerly Invitae), Labcorp); PubMed 19820032 (cited by Labcorp Genetics (formerly Invitae), Labcorp); PubMed 6881209 (cited by OMIM); PubMed 21700882 (cited by OMIM); PubMed 23643382 (cited by OMIM).

NM_023110.3(FGFR1):c.749G>A (p.Arg250Gln)

Gene: FGFR1 (fibroblast growth factor receptor 1; minus strand). Cytogenetic location: 8p11.23.
Variant type: single nucleotide variant.
Coding change: c.749G>A on transcript NM_023110.3 (MANE Select); coding-DNA position 749, G replaced by A.
Protein change: p.Arg250Gln; replaces arginine 250 with glutamine.
Molecular consequence: missense variant.
Genome position (GRCh38, 1-based): chr8:38,424,696, C>T on the plus strand (G>A on the coding strand, the complement: FGFR1 is on the minus strand). VCF-style: chr8-38424696-C-T. GRCh37 (hg19) VCF-style: chr8-38282214-C-T.
Other names: c.749G>A, p.Arg250Gln (NM_001174063.2); c.725G>A, p.Arg242Gln (NM_001174064.2); c.743G>A, p.Arg248Gln (NM_001174065.2, NM_001354367.2, NM_001354369.2 and 1 more transcripts); c.482G>A, p.Arg161Gln (NM_001174066.2, NM_023105.3); c.842G>A, p.Arg281Gln (NM_001174067.2); c.476G>A, p.Arg159Gln (NM_001354368.2, NM_001354370.2, NM_023106.3); c.749G>A (NM_023110.2); short protein forms R250Q, R159Q, R161Q, R281Q, R242Q, R248Q.
Identifiers: ClinVar variation 16303 (VCV000016303.6), dbSNP rs121909645, ClinGen allele CA260625.